The following is an entry in ClinVar:

NM_181882.3(PRX):c.167G>T (p.Ser56Ile)

Gene: PRX (periaxin; minus strand). Cytogenetic location: 19q13.2.
Variant type: single nucleotide variant.
Coding change: c.167G>T on transcript NM_181882.3 (MANE Select); coding-DNA position 167, G replaced by T.
Protein change: p.Ser56Ile; replaces serine 56 with isoleucine.
Molecular consequence: missense variant.
Genome position (GRCh38, 1-based): chr19:40,403,723, C>A on the plus strand (G>T on the coding strand, the complement: PRX is on the minus strand). VCF-style: chr19-40403723-C-A. GRCh37 (hg19) VCF-style: chr19-40909630-C-A.
Other names: c.452G>T, p.Ser151Ile (NM_001411127.1); c.167G>T, p.Ser56Ile (NM_020956.2); short protein forms S151I, S56I.
Identifiers: ClinVar variation 1777882 (VCV001777882.2), dbSNP rs769996704, ClinGen allele CA405901734.

ClinVar aggregate classification (germline): Uncertain significance (1 of 4 stars; one submission).

Conditions:
Inborn genetic diseases. Identifiers: MedGen C0950123, MeSH D030342.

Submission:

Ambry Genetics
Classification: Uncertain significance for Inborn genetic diseases. Last evaluated: 2020-02-24. Review status: criteria provided, single submitter. Criteria: Ambry Variant Classification Scheme 2023. Collection method: clinical testing. Allele origin: germline.
Comment: The p.S56I variant (also known as c.167G>T), located in coding exon 2 of the PRX gene, results from a G to T substitution at nucleotide position 167. The serine at codon 56 is replaced by isoleucine, an amino acid with dissimilar properties. This amino acid position is not well conserved in available vertebrate species. In addition, this alteration is predicted to be tolerated by in silico analysis. Since supporting evidence is limited at this time, the clinical significance of this alteration remains unclear.